The following is an entry in ClinVar:

NC_000017.11:g.(?_61683286)_(61716073_?)del

Gene: BRIP1 (BRCA1 interacting DNA helicase 1; minus strand). Cytogenetic location: 17q23.2.
Variant type: Deletion.
Identifiers: ClinVar variation 583952 (VCV000583952.3).

ClinVar aggregate classification (germline): Pathogenic (1 of 4 stars; one submission).

Conditions:
Familial cancer of breast. Also called: hereditary breast carcinoma; BREAST CANCER, FAMILIAL; Hereditary breast cancer. Identifiers: Orphanet 227535, MedGen C0346153, MONDO:0016419, OMIM 114480. Disease mechanism: loss of function.
Fanconi anemia complementation group J. Also called: BRIP1-Related Fanconi Anemia. Identifiers: Orphanet 84, MedGen C1836860, MONDO:0012187, OMIM 609054.

Submission:

Labcorp Genetics (formerly Invitae), Labcorp
Classification: Pathogenic for Hereditary Breast Carcinoma; Fanconi anemia, complementation group J. Last evaluated: 2019-06-10. Review status: criteria provided, single submitter. Criteria: Invitae Variant Classification Sherloc (09022015). Collection method: clinical testing. Allele origin: germline.
Comment: This variant is a gross deletion of the genomic region encompassing exons 17-20 (also known as exons 16-19) of the BRIP1 gene. The 5' boundary is likely confined to intron 16. The 3' end of this event is unknown as it extends through the termination codon beyond the assayed region for this gene and may encompass additional genes. While this deletion is not anticipated to result in nonsense mediated decay, it is expected to create a truncated protein product or disrupt mRNA translation. This variant has not been reported in the literature in individuals with BRIP1-related disease. This truncation affects the TopBP1-binding region (residues 1130-1153), the BCRA1 interacting region (residues 888-1063) including the phospho-S-X-X-F motif (residues 990-993) of the BRIP1 protein. The TopBP1-BRIP1 interaction plays a critical role on RPA chromatin loading following DNA replication stress and the subsequent activation of the replication checkpoint in response to DNA damage (PMID: 20159562, 21127055). The BRCA1 interacting region and phospho-S-X-X-F motif are required for BRCA1 binding (PMID: 21345144, 19099189, 11301010, 14576433) A different truncation (p.Lys998Glufs*60) that lies downstream of this variant has been determined to be pathogenic (PMID: 26921362, 18628483, 28423363, Invitae). This suggests that deletion of this region of the BRIP1 protein is causative of disease. For these reasons, this variant has been classified as Pathogenic.

Literature cited by the submitters: PubMed 21345144; PubMed 28423363; PubMed 11301010; PubMed 18628483; PubMed 26921362; PubMed 19099189; PubMed 21127055; PubMed 14576433; PubMed 20159562.